The following is an entry in ClinVar:

NM_014159.7(SETD2):c.2888AAG[2] (p.Glu965del)

Gene: SETD2 (SET domain containing 2, histone lysine methyltransferase; minus strand). Cytogenetic location: 3p21.31.
Variant type: Microsatellite.
Coding change: c.2888AAG[2] on transcript NM_014159.7 (MANE Select); two copies in a row of the 3-base unit AAG starting at c.2888; the reference has three copies in a row; one copy, 3 bases deleted.
Protein change: p.Glu965del; deletes glutamic acid 965.
Molecular consequence: inframe deletion. On other transcripts: non-coding transcript variant (1).
Genome position (GRCh38, 1-based): chr3:47,121,740-47,121,742, CTT deleted on the plus strand (AAG on the coding strand, the reverse complement: SETD2 is on the minus strand); deleting any 3 consecutive bases within chr3:47,121,740-47,121,748 gives the same sequence; the position shown is the placement nearest the transcript's 3' end. VCF-style (leftmost placement, unchanged base first): chr3-47121739-CCTT-C. GRCh37 (hg19) VCF-style: chr3-47163229-CCTT-C.
Other names: c.2756AAG[2], p.Glu921del (NM_001349370.3); short protein forms E921del, E965del.
Identifiers: ClinVar variation 1676800 (VCV001676800.3), dbSNP rs761511186, ClinGen allele CA2363465.

ClinVar aggregate classification (germline): Uncertain significance (1 of 4 stars; one submission).

Submission:

Centre of Medical Genetics, University Hospital Muenster
Classification: Uncertain significance. Last evaluated: 2022-02-10. Review status: criteria provided, single submitter. Criteria: ACMG Guidelines, 2015. Collection method: clinical testing. Allele origin: unknown. Affected: yes. Observed: 1 variant allele, 1 heterozygote.
Comment: ACMG categories: PM2,PM4